The following is an entry in ClinVar:

ClinVar aggregate classification (germline): Pathogenic. Review status: criteria provided, multiple submitters, no conflicts (2 of 4 stars). 2 submissions from 2 submitters: Pathogenic (2). Last evaluated 2024-04-03.

Conditions:
Supravalvar aortic stenosis (SVAS). Also called: Supravalvar aortic stenosis, Eisenberg type. Identifiers: Orphanet 3193, MedGen C0003499, MONDO:0008504, OMIM 185500, HP:0004381.

Submissions (2):

Labcorp Genetics (formerly Invitae), Labcorp
Classification: Pathogenic for Supravalvar aortic stenosis. Last evaluated: 2024-04-03. Review status: criteria provided, single submitter. Criteria: Invitae Variant Classification Sherloc (09022015). Collection method: clinical testing. Allele origin: germline.
Comment: This sequence change creates a premature translational stop signal (p.Gly428*) in the ELN gene. It is expected to result in an absent or disrupted protein product. Loss-of-function variants in ELN are known to be pathogenic (PMID: 11175284). This variant is not present in population databases (gnomAD no frequency). This premature translational stop signal has been observed in individual(s) with supravalvular aortic stenosis (PMID: 10942104). ClinVar contains an entry for this variant (Variation ID: 213178). For these reasons, this variant has been classified as Pathogenic.

Molecular Diagnostics Laboratory, M Health Fairview: University of Minnesota
Classification: Pathogenic for Supravalvar aortic stenosis. Last evaluated: 2020-02-05. Review status: criteria provided, single submitter. Criteria: ACMG Guidelines, 2015. Collection method: clinical testing. Allele origin: germline. Affected: yes. Observed: 1 variant allele.

Literature cited by the submitters: PubMed 11175284 (cited by Labcorp Genetics (formerly Invitae), Labcorp); PubMed 10942104 (cited by Labcorp Genetics (formerly Invitae), Labcorp).

NM_000501.4(ELN):c.1282G>T (p.Gly428Ter)

Gene: ELN (elastin; plus strand). Cytogenetic location: 7q11.23.
Variant type: single nucleotide variant.
Coding change: c.1282G>T on transcript NM_000501.4 (MANE Select); coding-DNA position 1282, G replaced by T.
Protein change: p.Gly428Ter; replaces glycine 428 with a stop codon.
Molecular consequence: nonsense. On other transcripts: intron variant (2).
Genome position (GRCh38, 1-based): chr7:74,056,402, G>T. VCF-style: chr7-74056402-G-T. GRCh37 (hg19) VCF-style: chr7-73470732-G-T.
Other names: c.1252G>T, p.Gly418Ter (NM_001081752.3, NM_001278917.2); c.1297G>T, p.Gly433Ter (NM_001081753.3, NM_001081754.3); c.1282G>T, p.Gly428Ter (NM_001081755.3, NM_001278912.2, NM_001278915.2 and 1 more transcripts); c.1267G>T, p.Gly423Ter (NM_001278914.2); c.1240G>T, p.Gly414Ter (NM_001278916.2); c.1129+45G>T (NM_001278913.2); c.1105+45G>T (NM_001278918.2); short protein forms G428*, G414*, G418*, G423*, G433*.
Identifiers: ClinVar variation 213178 (VCV000213178.9), dbSNP rs200862792, ClinGen allele CA320790.